The following is an entry in ClinVar:

ClinVar aggregate classification (germline): Conflicting classifications of pathogenicity. Review status: criteria provided, conflicting classifications (1 of 4 stars). 4 submissions from 4 submitters: Uncertain significance (1); Likely benign (2). 1 of the submissions does not count toward it. Last evaluated 2025-11-13.

Conditions:
Inborn genetic diseases. Identifiers: MedGen C0950123, MeSH D030342.
Fanconi anemia (FA). Also called: Fanconi's anemia. Identifiers: Orphanet 84, MedGen C0015625, MeSH D005199, MONDO:0019391.

Allele frequency attached by ClinVar (database versions not stated): gnomAD exomes 0.00003 and 0.00013; gnomAD 0.00040 and 0.00041; 1000 Genomes Project 0.00100; TOPMed 0.00047; ESP Exome Variant Server 0.00062; ExAC 0.00012; 1000 Genomes Project 30x 0.00078.

Submissions (4):

Ambry Genetics
Classification: Likely benign for Inborn genetic diseases. Last evaluated: 2025-11-13. Review status: criteria provided, single submitter. Criteria: Ambry Variant Classification Scheme 2023. Collection method: clinical testing. Allele origin: germline.

Labcorp Genetics (formerly Invitae), Labcorp
Classification: Uncertain significance for Fanconi anemia. Last evaluated: 2024-12-31. Review status: criteria provided, single submitter. Criteria: Invitae Variant Classification Sherloc (09022015). Collection method: clinical testing. Allele origin: germline.
Comment: This sequence change replaces glycine, which is neutral and non-polar, with glutamic acid, which is acidic and polar, at codon 243 of the FANCF protein (p.Gly243Glu). This variant is present in population databases (rs150216454, gnomAD 0.1%). This variant has not been reported in the literature in individuals affected with FANCF-related conditions. ClinVar contains an entry for this variant (Variation ID: 134355). Invitae Evidence Modeling of protein sequence and biophysical properties (such as structural, functional, and spatial information, amino acid conservation, physicochemical variation, residue mobility, and thermodynamic stability) indicates that this missense variant is not expected to disrupt FANCF protein function with a negative predictive value of 80%. In summary, the available evidence is currently insufficient to determine the role of this variant in disease. Therefore, it has been classified as a Variant of Uncertain Significance.

Sema4
Classification: Likely benign for Fanconi anemia. Last evaluated: 2022-02-15. Review status: criteria provided, single submitter. Criteria: Sema4 Curation Guidelines. Collection method: curation. Allele origin: germline.

ITMI
No classification provided. Condition: AllHighlyPenetrant. Last evaluated: 2013-09-19. Review status: no classification provided. Collection method: reference population. Allele origin: germline. Not counted in ClinVar's aggregate classification.
Comment: Please see associated publication for description of ethnicities

Literature cited by the submitters: PubMed 24728327 (cited by ITMI).

NM_022725.4(FANCF):c.728G>A (p.Gly243Glu)

Gene: FANCF (FA complementation group F; minus strand). Cytogenetic location: 11p14.3.
Variant type: single nucleotide variant.
Coding change: c.728G>A on transcript NM_022725.4 (MANE Select); coding-DNA position 728, G replaced by A.
Protein change: p.Gly243Glu; replaces glycine 243 with glutamic acid.
Molecular consequence: missense variant.
Genome position (GRCh38, 1-based): chr11:22,625,083, C>T on the plus strand (G>A on the coding strand, the complement: FANCF is on the minus strand). VCF-style: chr11-22625083-C-T. GRCh37 (hg19) VCF-style: chr11-22646629-C-T.
Other names: short protein forms G243E.
Identifiers: ClinVar variation 134355 (VCV000134355.10), dbSNP rs150216454, ClinGen allele CA159584.